The following is an entry in ClinVar:

ClinVar aggregate classification (germline): Uncertain significance (1 of 4 stars; one submission).

Conditions:
Charcot-Marie-Tooth disease axonal type 2P. Also called: Charcot-Marie-Tooth Neuropathy Type 2G; CHARCOT-MARIE-TOOTH DISEASE, AXONAL, TYPE 2G; CMT 2G; CHARCOT-MARIE-TOOTH NEUROPATHY, TYPE 2P. Identifiers: Orphanet 300319, Orphanet 99941, MedGen C3280797, MONDO:0013753, OMIM 614436.

Submission:

Labcorp Genetics (formerly Invitae), Labcorp
Classification: Uncertain significance for Charcot-Marie-Tooth disease axonal type 2P. Last evaluated: 2020-07-21. Review status: criteria provided, single submitter. Criteria: Invitae Variant Classification Sherloc (09022015). Collection method: clinical testing. Allele origin: germline.
Comment: This sequence change replaces phenylalanine with serine at codon 687 of the LRSAM1 protein (p.Phe687Ser). The phenylalanine residue is highly conserved and there is a large physicochemical difference between phenylalanine and serine. This variant is not present in population databases (ExAC no frequency). This variant has not been reported in the literature in individuals with LRSAM1-related conditions. Algorithms developed to predict the effect of missense changes on protein structure and function (SIFT, PolyPhen-2, Align-GVGD) all suggest that this variant is likely to be disruptive, but these predictions have not been confirmed by published functional studies and their clinical significance is uncertain. In summary, the available evidence is currently insufficient to determine the role of this variant in disease. Therefore, it has been classified as a Variant of Uncertain Significance.

NM_001005373.4(LRSAM1):c.2060T>C (p.Phe687Ser)

Gene: LRSAM1 (leucine rich repeat and sterile alpha motif containing 1; plus strand). Cytogenetic location: 9q34.11.
Variant type: single nucleotide variant.
Coding change: c.2060T>C on transcript NM_001005373.4 (MANE Select); coding-DNA position 2060, T replaced by C.
Protein change: p.Phe687Ser; replaces phenylalanine 687 with serine.
Molecular consequence: missense variant. On other transcripts: non-coding transcript variant (2).
Genome position (GRCh38, 1-based): chr9:127,502,787, T>C. VCF-style: chr9-127502787-T-C. GRCh37 (hg19) VCF-style: chr9-130265066-T-C.
Other names: c.2060T>C, p.Phe687Ser (NM_001005374.4, NM_001384142.1, NM_138361.5); c.1979T>C, p.Phe660Ser (NM_001190723.3); c.1961T>C, p.Phe654Ser (NM_001384143.1); c.1271T>C, p.Phe424Ser (NM_001384144.1); short protein forms F654S, F687S, F424S, F660S.
Identifiers: ClinVar variation 1042570 (VCV001042570.8), dbSNP rs1836444481, ClinGen allele CA374938512.